The following is an entry in ClinVar:

ClinVar aggregate classification (germline): Conflicting classifications of pathogenicity. Review status: criteria provided, conflicting classifications (1 of 4 stars). 7 submissions from 7 submitters: Uncertain significance (1); Benign (1); Likely benign (3). 2 of the submissions do not count toward it. Last evaluated 2025-11-10.

Conditions:
Cardiovascular phenotype. Identifiers: MedGen CN230736.
Hypertrophic cardiomyopathy 14. Identifiers: MedGen C2750467, MONDO:0013197, OMIM 613251.

Allele frequency attached by ClinVar (database versions not stated): TOPMed 0.00002; ESP Exome Variant Server 0.00008; 1000 Genomes Project 30x 0.00016; 1000 Genomes Project 0.00020; gnomAD exomes 0.00023 and 0.00055; ExAC 0.00044; gnomAD 0.00063 and 0.00067.
gnomAD v4.1: 432 of 1,614,182 alleles (0.027%); highest among the groups gnomAD compares: Non-Finnish European, 0.0064%; 1 homozygote.

Submissions (7):

Labcorp Genetics (formerly Invitae), Labcorp
Classification: Benign for Hypertrophic cardiomyopathy 14. Last evaluated: 2025-11-10. Review status: criteria provided, single submitter. Criteria: Invitae Variant Classification Sherloc (09022015). Collection method: clinical testing. Allele origin: germline.

Blueprint Genetics
Classification: Likely benign. Last evaluated: 2024-11-26. Review status: criteria provided, single submitter. Criteria: ACMG Guidelines, 2015. Collection method: clinical testing. Allele origin: germline.

Ambry Genetics
Classification: Likely benign for Cardiovascular phenotype. Last evaluated: 2022-05-27. Review status: criteria provided, single submitter. Criteria: Ambry Variant Classification Scheme 2023. Collection method: clinical testing. Allele origin: germline.

Centre for Mendelian Genomics, University Medical Centre Ljubljana
Classification: Uncertain significance for Hypertrophic cardiomyopathy 14. Last evaluated: 2019-02-14. Review status: criteria provided, single submitter. Criteria: ACMG Guidelines, 2015. Collection method: clinical testing. Allele origin: unknown. Affected: yes.
Comment: This variant was classified as: Uncertain significance. The available evidence on this variant's pathogenicity is insufficient or conflicting. The following ACMG criteria were applied in classifying this variant: PP3.

GeneDx
Classification: Likely benign. Last evaluated: 2018-09-10. Review status: criteria provided, single submitter. Criteria: GeneDx Variant Classification Process June 2021. Collection method: clinical testing. Allele origin: germline. Affected: yes.
Comment: See Variant Classification Assertion Criteria.

Clinical Genetics, Academic Medical Center
Classification: Benign. Review status: no assertion criteria provided. Collection method: clinical testing. Allele origin: germline. Affected: yes. Study: VKGL Data-share Consensus. Not counted in ClinVar's aggregate classification.

Diagnostic Laboratory, Department of Genetics, University Medical Center Groningen
Classification: Likely benign. Review status: no assertion criteria provided. Collection method: clinical testing. Allele origin: germline. Affected: yes. Study: VKGL Data-share Consensus. Not counted in ClinVar's aggregate classification.

Literature cited by the submitters: PubMed 27058611 (cited by Ambry Genetics); PubMed 27789736 (cited by Ambry Genetics).

NM_002471.4(MYH6):c.2807C>T (p.Ala936Val)

Gene: MYH6 (myosin heavy chain 6; minus strand). Cytogenetic location: 14q11.2.
Variant type: single nucleotide variant.
Coding change: c.2807C>T on transcript NM_002471.4 (MANE Select); coding-DNA position 2807, C replaced by T.
Protein change: p.Ala936Val; replaces alanine 936 with valine.
Molecular consequence: missense variant.
Genome position (GRCh38, 1-based): chr14:23,393,787, G>A on the plus strand (C>T on the coding strand, the complement: MYH6 is on the minus strand). VCF-style: chr14-23393787-G-A. GRCh37 (hg19) VCF-style: chr14-23862996-G-A.
Other names: short protein forms A936V.
Identifiers: ClinVar variation 930381 (VCV000930381.18), dbSNP rs199838024, ClinGen allele CA7115372.